The following is an entry in ClinVar:

ClinVar aggregate classification (germline): Uncertain significance. Review status: criteria provided, multiple submitters, no conflicts (2 of 4 stars). 2 submissions from 2 submitters: Uncertain significance (2). Last evaluated 2025-09-09.

Conditions:
Gastrointestinal stromal tumor. Also called: Gastrointestinal stroma tumor; Gastrointestinal stromal tumor, somatic. Identifiers: Orphanet 44890, MedGen C0238198, MeSH D046152, MONDO:0011719, OMIM 606764, HP:0100723.

Submissions (2):

Labcorp Genetics (formerly Invitae), Labcorp
Classification: Uncertain significance for Gastrointestinal stromal tumor. Last evaluated: 2025-09-09. Review status: criteria provided, single submitter. Criteria: Invitae Variant Classification Sherloc (09022015). Collection method: clinical testing. Allele origin: germline.
Comment: This sequence change falls in intron 9 of the KIT gene. It does not directly change the encoded amino acid sequence of the KIT protein. It affects a nucleotide within the consensus splice site. This variant is not present in population databases (gnomAD no frequency). This variant has not been reported in the literature in individuals affected with KIT-related conditions. ClinVar contains an entry for this variant (Variation ID: 1479515). Variants that disrupt the consensus splice site are a relatively common cause of aberrant splicing (PMID: 17576681, 9536098). Algorithms developed to predict the effect of sequence changes on RNA splicing suggest that this variant may disrupt the consensus splice site. In summary, the available evidence is currently insufficient to determine the role of this variant in disease. Therefore, it has been classified as a Variant of Uncertain Significance.

Baylor Genetics
Classification: Uncertain significance for Gastrointestinal stromal tumor. Last evaluated: 2023-06-23. Review status: criteria provided, single submitter. Criteria: ACMG Guidelines, 2015. Collection method: clinical testing. Allele origin: unknown.

Literature cited by the submitters: PubMed 17576681 (cited by Labcorp Genetics (formerly Invitae), Labcorp); PubMed 9536098 (cited by Labcorp Genetics (formerly Invitae), Labcorp).

NM_000222.3(KIT):c.1540+3A>G

Gene: KIT (KIT proto-oncogene, receptor tyrosine kinase; plus strand). Cytogenetic location: 4q12.
Variant type: single nucleotide variant.
Coding change: c.1540+3A>G on transcript NM_000222.3 (MANE Select); 3 bases into the intron after coding-DNA position 1540, A replaced by G.
Molecular consequence: intron variant.
Genome position (GRCh38, 1-based): chr4:54,726,053, A>G. VCF-style: chr4-54726053-A-G. GRCh37 (hg19) VCF-style: chr4-55592219-A-G.
Other names: c.1543+3A>G (NM_001385284.1, NM_001385290.1); c.1531+15A>G (NM_001385288.1, NM_001385292.1); c.1540+3A>G (NM_001385285.1); c.1528+15A>G (NM_001093772.2, NM_001385286.1).
Identifiers: ClinVar variation 1479515 (VCV001479515.7), dbSNP rs2109769927, ClinGen allele CA2573138220.